The following is an entry in ClinVar:

ClinVar aggregate classification (germline): Benign/Likely benign. Review status: criteria provided, multiple submitters, no conflicts (2 of 4 stars). 4 submissions from 4 submitters: Benign (1); Likely benign (3). Last evaluated 2025-07-27.

Conditions:
Familial cancer of breast. Also called: BREAST CANCER, FAMILIAL; hereditary breast carcinoma; Hereditary breast cancer. Identifiers: Orphanet 227535, MedGen C0346153, MONDO:0016419, OMIM 114480. Disease mechanism: loss of function.
Hereditary cancer-predisposing syndrome. Also called: Neoplastic Syndromes, Hereditary; Tumor predisposition; Hereditary Cancer Syndrome; Hereditary neoplastic syndrome. Identifiers: Orphanet 140162, MedGen C0027672, MeSH D009386, MONDO:0015356.

Allele frequency attached by ClinVar (database versions not stated): gnomAD exomes below 0.00001; ExAC 0.00001.
gnomAD v4.1: 1 of 1,572,586 alleles (0.000064%); highest among the groups gnomAD compares: Non-Finnish European, 0.000086%; no homozygotes.

Submissions (4):

Labcorp Genetics (formerly Invitae), Labcorp
Classification: Likely benign for Familial cancer of breast. Last evaluated: 2025-07-27. Review status: criteria provided, single submitter. Criteria: Invitae Variant Classification Sherloc (09022015). Collection method: clinical testing. Allele origin: germline.

Myriad Genetics, Inc.
Classification: Benign for Familial cancer of breast. Last evaluated: 2024-07-22. Review status: criteria provided, single submitter. Criteria: Myriad Autosomal Dominant, Autosomal Recessive and X-Linked Classification Criteria (2023). Collection method: clinical testing. Allele origin: unknown.
Comment: This variant is considered benign. This variant is a silent/synonymous amino acid change and it is not expected to impact splicing.

Ambry Genetics
Classification: Likely benign for Hereditary cancer-predisposing syndrome. Last evaluated: 2016-12-02. Review status: criteria provided, single submitter. Criteria: Ambry Variant Classification Scheme 2023. Collection method: clinical testing. Allele origin: germline.

Color Diagnostics, LLC DBA Color Health
Classification: Likely benign for Hereditary cancer-predisposing syndrome. Last evaluated: 2016-10-03. Review status: criteria provided, single submitter. Criteria: ACMG Guidelines, 2015. Collection method: clinical testing. Allele origin: germline.

NM_000465.4(BARD1):c.732C>T (p.Ser244=)

Gene: BARD1 (BRCA1 associated RING domain 1; minus strand). Cytogenetic location: 2q35.
Variant type: single nucleotide variant.
Coding change: c.732C>T on transcript NM_000465.4 (MANE Select); coding-DNA position 732, C replaced by T.
Protein change: p.Ser244=; no amino-acid change (serine 244 retained).
Molecular consequence: synonymous variant. On other transcripts: non-coding transcript variant (2), intron variant (3).
Genome position (GRCh38, 1-based): chr2:214,781,142, G>A on the plus strand (C>T on the coding strand, the complement: BARD1 is on the minus strand). VCF-style: chr2-214781142-G-A. GRCh37 (hg19) VCF-style: chr2-215645866-G-A.
Other names: c.675C>T, p.Ser225= (NM_001282543.2); c.158+28270C>T (NM_001282548.2); c.215+15919C>T (NM_001282545.2); c.364+11155C>T (NM_001282549.2).
Identifiers: ClinVar variation 460762 (VCV000460762.17), dbSNP rs774675180, ClinGen allele CA2090390.